The following is an entry in ClinVar:

NM_000141.5(FGFR2):c.2431C>A (p.Gln811Lys)

Gene: FGFR2 (fibroblast growth factor receptor 2; minus strand). Cytogenetic location: 10q26.13.
Variant type: single nucleotide variant.
Coding change: c.2431C>A on transcript NM_000141.5 (MANE Select); coding-DNA position 2431, C replaced by A.
Protein change: p.Gln811Lys; replaces glutamine 811 with lysine.
Molecular consequence: missense variant. On other transcripts: non-coding transcript variant (1), intron variant (1).
Genome position (GRCh38, 1-based): chr10:121,479,892, G>T on the plus strand (C>A on the coding strand, the complement: FGFR2 is on the minus strand). VCF-style: chr10-121479892-G-T. GRCh37 (hg19) VCF-style: chr10-123239406-G-T.
Other names: c.2095C>A, p.Gln699Lys (NM_001144914.1); c.2086C>A, p.Gln696Lys (NM_001144916.2); c.2083C>A, p.Gln695Lys (NM_001144917.2); c.2080C>A, p.Gln694Lys (NM_001144918.2); c.1747C>A, p.Gln583Lys (NM_001320654.2); c.2425C>A, p.Gln809Lys (NM_001320658.2); c.2434C>A, p.Gln812Lys (NM_022970.4); c.2164C>A, p.Gln722Lys (NM_023029.3); and 1 more; short protein forms Q811K, Q583K, Q694K, Q699K, Q812K, Q695K, Q809K, Q696K.
Identifiers: ClinVar variation 2849050 (VCV002849050.3), dbSNP rs1450657969, ClinGen allele CA378358490.
Genomic context (GRCh38, chr10:121,479,892, plus strand): 5'-TTTGGGGACAGGCAGACACAGTCATTCATGTTTTAACACTGCCGTTTATGTGTGGATACT[G>T]AGGAAGGCATGGTTCGTAAGGCATGGGGTCTGGAGAAAAAACAGAATCATCTCCTGAAGA-3'
Protein context (NP_000132.3, residues 801-821): DPMPYEPCLP[Gln811Lys]YPHINGSVKT

ClinVar aggregate classification (germline): Uncertain significance (1 of 4 stars; one submission).

Conditions:
FGFR2-related craniosynostosis. Identifiers: MedGen CN231480.

Allele frequency attached by ClinVar (database versions not stated): gnomAD exomes 0.00002.
gnomAD v4.1: 36 of 1,614,168 alleles (0.0022%); highest among the groups gnomAD compares: Non-Finnish European, 0.0029%; no homozygotes.

Submission:

Labcorp Genetics (formerly Invitae), Labcorp
Classification: Uncertain significance for FGFR2-related craniosynostosis. Last evaluated: 2023-06-17. Review status: criteria provided, single submitter. Criteria: Invitae Variant Classification Sherloc (09022015). Collection method: clinical testing. Allele origin: germline.
Comment: This sequence change replaces glutamine, which is neutral and polar, with lysine, which is basic and polar, at codon 811 of the FGFR2 protein (p.Gln811Lys). This variant is present in population databases (no rsID available, gnomAD 0.003%). This variant has not been reported in the literature in individuals affected with FGFR2-related conditions. Advanced modeling of protein sequence and biophysical properties (such as structural, functional, and spatial information, amino acid conservation, physicochemical variation, residue mobility, and thermodynamic stability) performed at Invitae indicates that this missense variant is expected to disrupt FGFR2 protein function. In summary, the available evidence is currently insufficient to determine the role of this variant in disease. Therefore, it has been classified as a Variant of Uncertain Significance.